The following is an entry in ClinVar:

ClinVar aggregate classification (germline): Uncertain significance (1 of 4 stars; one submission).

gnomAD v4.1: 64 of 1,596,328 alleles (0.004%); highest among the groups gnomAD compares: Non-Finnish European, 0.0054%; no homozygotes.

Submission:

GeneDx
Classification: Uncertain significance. Last evaluated: 2025-08-21. Review status: criteria provided, single submitter. Criteria: GeneDx Variant Classification Process June 2021. Collection method: clinical testing. Allele origin: germline. Affected: yes.
Comment: Not observed at significant frequency in large population cohorts (gnomAD); Has not been previously published as pathogenic or benign to our knowledge; Reported using an alternate transcript of the gene; In silico analysis does not support a benign or deleterious effect of this variant on protein structure/function

NM_001305625.2(CALM2):c.-106+327G>C

Gene: CALM2 (calmodulin 2; minus strand). Cytogenetic location: 2p21.
Variant type: single nucleotide variant.
Coding change: c.-106+327G>C on transcript NM_001305625.2; 327 bases into the intron after 106 bases upstream of the start codon, G replaced by C.
Molecular consequence: intron variant. On other transcripts: missense variant (1).
Genome position (GRCh38, 1-based): chr2:47,176,522, C>G on the plus strand (G>C on the coding strand, the complement: CALM2 is on the minus strand). VCF-style: chr2-47176522-C-G. GRCh37 (hg19) VCF-style: chr2-47403661-C-G.
Other names: c.20G>C, p.Arg7Thr (NM_001305624.1); short protein forms R7T.
Identifiers: ClinVar variation 4796669 (VCV004796669.1).
Genomic context (GRCh38, chr2:47,176,522, plus strand): 5'-TTCCGAGACGCGACCACACAACCACTCAGCTCGCTCTCTCCACTCGGACTAATTCGCCTC[C>G]TCCGCCCCCAGCGCCTCATAAACACCTCCCTCCGCCAGATCCCTCCGCCGCATCCAGATA-3'